The following is an entry in ClinVar:

NM_002796.3(PSMB4):c.625G>A (p.Glu209Lys)

Gene: PSMB4 (proteasome 20S subunit beta 4; plus strand). Cytogenetic location: 1q21.3.
Variant type: single nucleotide variant.
Coding change: c.625G>A on transcript NM_002796.3 (MANE Select); coding-DNA position 625, G replaced by A.
Protein change: p.Glu209Lys; replaces glutamic acid 209 with lysine.
Molecular consequence: missense variant.
Genome position (GRCh38, 1-based): chr1:151,401,287, G>A. VCF-style: chr1-151401287-G-A. GRCh37 (hg19) VCF-style: chr1-151373763-G-A.
Other names: c.625G>A (NM_002796.2); short protein forms E209K.
Identifiers: ClinVar variation 1376214 (VCV001376214.9), dbSNP rs202077271, ClinGen allele CA29564292.

ClinVar aggregate classification (germline): Uncertain significance. Review status: criteria provided, multiple submitters, no conflicts (2 of 4 stars). 2 submissions from 2 submitters: Uncertain significance (2). Last evaluated 2025-09-22.

gnomAD v4.1: 66 of 1,614,024 alleles (0.0041%); highest among the groups gnomAD compares: Non-Finnish European, 0.0053%; no homozygotes.

Submissions (2):

Labcorp Genetics (formerly Invitae), Labcorp
Classification: Uncertain significance. Last evaluated: 2025-09-22. Review status: criteria provided, single submitter. Criteria: Invitae Variant Classification Sherloc (09022015). Collection method: clinical testing. Allele origin: germline.
Comment: This sequence change replaces glutamic acid, which is acidic and polar, with lysine, which is basic and polar, at codon 209 of the PSMB4 protein (p.Glu209Lys). This variant is present in population databases (rs202077271, gnomAD 0.004%). This variant has not been reported in the literature in individuals affected with PSMB4-related conditions. ClinVar contains an entry for this variant (Variation ID: 1376214). An algorithm developed to predict the effect of missense changes on protein structure and function (PolyPhen-2) suggests that this variant is likely to be tolerated. In summary, the available evidence is currently insufficient to determine the role of this variant in disease. Therefore, it has been classified as a Variant of Uncertain Significance.

Ambry Genetics
Classification: Uncertain significance. Last evaluated: 2024-09-24. Review status: criteria provided, single submitter. Criteria: Ambry Variant Classification Scheme 2023. Collection method: clinical testing. Allele origin: germline.